The following is an entry in ClinVar:

ClinVar aggregate classification (germline): Uncertain significance (1 of 4 stars; one submission).

Allele frequency attached by ClinVar (database versions not stated): gnomAD exomes below 0.00001.
gnomAD v4.1: 2 of 1,611,686 alleles (0.00012%); highest among the groups gnomAD compares: Non-Finnish European, 0.00017%; no homozygotes.

Submission:

Labcorp Genetics (formerly Invitae), Labcorp
Classification: Uncertain significance. Last evaluated: 2022-03-14. Review status: criteria provided, single submitter. Criteria: Invitae Variant Classification Sherloc (09022015). Collection method: clinical testing. Allele origin: germline.
Comment: This sequence change replaces lysine, which is basic and polar, with glutamic acid, which is acidic and polar, at codon 371 of the GALNT3 protein (p.Lys371Glu). This variant is not present in population databases (gnomAD no frequency). This variant has not been reported in the literature in individuals affected with GALNT3-related conditions. Algorithms developed to predict the effect of missense changes on protein structure and function are either unavailable or do not agree on the potential impact of this missense change (SIFT: "Deleterious"; PolyPhen-2: "Possibly Damaging"; Align-GVGD: "Class C15"). In summary, the available evidence is currently insufficient to determine the role of this variant in disease. Therefore, it has been classified as a Variant of Uncertain Significance.

NM_004482.4(GALNT3):c.1111A>G (p.Lys371Glu)

Gene: GALNT3 (polypeptide N-acetylgalactosaminyltransferase 3; minus strand). Cytogenetic location: 2q24.3.
Variant type: single nucleotide variant.
Coding change: c.1111A>G on transcript NM_004482.4 (MANE Select); coding-DNA position 1111, A replaced by G.
Protein change: p.Lys371Glu; replaces lysine 371 with glutamic acid.
Molecular consequence: missense variant.
Genome position (GRCh38, 1-based): chr2:165,758,827, T>C on the plus strand (A>G on the coding strand, the complement: GALNT3 is on the minus strand). VCF-style: chr2-165758827-T-C. GRCh37 (hg19) VCF-style: chr2-166615337-T-C.
Other names: short protein forms K371E.
Identifiers: ClinVar variation 1913510 (VCV001913510.2), dbSNP rs2467869696, ClinGen allele CA349036932.